The following is an entry in ClinVar:

NM_020338.4(ZMIZ1):c.2472G>A (p.Pro824=)

Gene: ZMIZ1 (zinc finger MIZ-type containing 1; plus strand). Cytogenetic location: 10q22.3.
Variant type: single nucleotide variant.
Coding change: c.2472G>A on transcript NM_020338.4 (MANE Select); coding-DNA position 2472, G replaced by A.
Protein change: p.Pro824=; no amino-acid change (proline 824 retained).
Molecular consequence: synonymous variant.
Genome position (GRCh38, 1-based): chr10:79,306,148, G>A. VCF-style: chr10-79306148-G-A. GRCh37 (hg19) VCF-style: chr10-81065905-G-A.
Identifiers: ClinVar variation 3067452 (VCV003067452.23), dbSNP rs146385076, ClinGen allele CA5573042.

ClinVar aggregate classification (germline): Likely benign. Review status: criteria provided, multiple submitters, no conflicts (2 of 4 stars). 2 submissions from 2 submitters: Likely benign (2). Last evaluated 2024-11-07.

gnomAD v4.1: 47 of 1,613,762 alleles (0.0029%); highest among the groups gnomAD compares: South Asian, 0.019%; no homozygotes.

Submissions (2):

Labcorp Genetics (formerly Invitae), Labcorp
Classification: Likely benign. Last evaluated: 2024-11-07. Review status: criteria provided, single submitter. Criteria: Invitae Variant Classification Sherloc (09022015). Collection method: clinical testing. Allele origin: germline.

CeGaT Center for Human Genetics Tuebingen
Classification: Likely benign. Last evaluated: 2024-03-01. Review status: criteria provided, single submitter. Criteria: CeGaT Center For Human Genetics Tuebingen Variant Classification Criteria Version 2. Collection method: clinical testing. Allele origin: germline. Affected: yes. Observed: 1 variant allele.
Comment: ZMIZ1: BP4, BP7